The following is an entry in ClinVar:

ClinVar aggregate classification (germline): Conflicting classifications of pathogenicity. Review status: criteria provided, conflicting classifications (1 of 4 stars). 2 submissions from 2 submitters: Uncertain significance (1); Likely benign (1). Last evaluated 2024-11-10.

Conditions:
Inborn genetic diseases. Identifiers: MedGen C0950123, MeSH D030342.

Allele frequency attached by ClinVar (database versions not stated): gnomAD 0.00002; TOPMed 0.00003; gnomAD exomes 0.00005; ExAC 0.00006; ESP Exome Variant Server 0.00008.
gnomAD v4.1: 72 of 1,608,258 alleles (0.0045%); highest among the groups gnomAD compares: South Asian, 0.0077%; no homozygotes.

Submissions (2):

Ambry Genetics
Classification: Likely benign for Inborn genetic diseases. Last evaluated: 2024-11-10. Review status: criteria provided, single submitter. Criteria: Ambry Variant Classification Scheme 2023. Collection method: clinical testing. Allele origin: germline.

Labcorp Genetics (formerly Invitae), Labcorp
Classification: Uncertain significance. Last evaluated: 2023-06-14. Review status: criteria provided, single submitter. Criteria: Invitae Variant Classification Sherloc (09022015). Collection method: clinical testing. Allele origin: germline.
Comment: In summary, the available evidence is currently insufficient to determine the role of this variant in disease. Therefore, it has been classified as a Variant of Uncertain Significance. An algorithm developed to predict the effect of missense changes on protein structure and function (PolyPhen-2) suggests that this variant is likely to be disruptive. This variant has not been reported in the literature in individuals affected with CAMTA1-related conditions. This variant is present in population databases (rs140089643, gnomAD 0.007%). This sequence change replaces arginine, which is basic and polar, with glutamine, which is neutral and polar, at codon 728 of the CAMTA1 protein (p.Arg728Gln).

NM_015215.4(CAMTA1):c.2183G>A (p.Arg728Gln)

Gene: CAMTA1 (calmodulin binding transcription activator 1; plus strand). Cytogenetic location: 1p36.23.
Variant type: single nucleotide variant.
Coding change: c.2183G>A on transcript NM_015215.4 (MANE Select); coding-DNA position 2183, G replaced by A.
Protein change: p.Arg728Gln; replaces arginine 728 with glutamine.
Molecular consequence: missense variant.
Genome position (GRCh38, 1-based): chr1:7,664,730, G>A. VCF-style: chr1-7664730-G-A. GRCh37 (hg19) VCF-style: chr1-7724790-G-A.
Other names: c.2093G>A, p.Arg698Gln (NM_001349608.2, NM_001349612.2); c.2183G>A, p.Arg728Gln (NM_001349609.2, NM_001349610.2, NM_001410737.1); c.2111G>A, p.Arg704Gln (NM_001410738.1); c.2183G>A (NM_015215.2); short protein forms R698Q, R728Q, R704Q.
Identifiers: ClinVar variation 2767347 (VCV002767347.3), dbSNP rs140089643, ClinGen allele CA566584.